The following is an entry in ClinVar:

ClinVar aggregate classification (germline): Uncertain significance (1 of 4 stars; one submission).

Conditions:
Aicardi-Goutieres syndrome 6 (AGS6). Identifiers: Orphanet 51, MedGen C3539013, MONDO:0014007, OMIM 615010.
Symmetrical dyschromatosis of extremities (DSH). Also called: DYSCHROMATOSIS SYMMETRICA HEREDITARIA 1; RETICULATE ACROPIGMENTATION OF DOHI; SYMMETRIC DYSCHROMATOSIS OF THE EXTREMITIES; Dyschromatosis symmetrica hereditaria. Identifiers: Orphanet 41, MedGen C0406775, MONDO:0007483, OMIM 127400.

Submission:

Labcorp Genetics (formerly Invitae), Labcorp
Classification: Uncertain significance for Aicardi-Goutieres syndrome 6; Symmetrical dyschromatosis of extremities. Last evaluated: 2025-08-11. Review status: criteria provided, single submitter. Criteria: Invitae Variant Classification Sherloc (09022015). Collection method: clinical testing. Allele origin: germline.
Comment: This variant, c.414_416del, is a complex sequence change that results in the deletion of 2 and insertion of 1 amino acid(s) in the ADAR protein (p.Asp138_Gln139delinsGlu). This variant is present in population databases (rs764025564, gnomAD 0.003%). This variant has not been reported in the literature in individuals affected with ADAR-related conditions. Experimental studies and prediction algorithms are not available or were not evaluated, and the functional significance of this variant is currently unknown. In summary, the available evidence is currently insufficient to determine the role of this variant in disease. Therefore, it has been classified as a Variant of Uncertain Significance.

NM_001111.5(ADAR):c.414_416del (p.Asp138_Gln139delinsGlu)

Gene: ADAR (adenosine deaminase RNA specific; minus strand). Cytogenetic location: 1q21.3.
Variant type: Deletion.
Coding change: c.414_416del on transcript NM_001111.5 (MANE Select); coding-DNA positions 414 to 416, 3 bases deleted (TCA; older notation c.414_416delTCA).
Protein change: p.Asp138_Gln139delinsGlu.
Molecular consequence: inframe indel. On other transcripts: 5 prime UTR variant (6).
Genome position (GRCh38, 1-based): chr1:154,602,226-154,602,228, TGA deleted on the plus strand (TCA on the coding strand, the reverse complement: ADAR is on the minus strand); deleting any 3 consecutive bases within chr1:154,602,226-154,602,229 gives the same sequence; the c. name uses the placement nearest the transcript's 3' end. VCF-style (leftmost placement, unchanged base first): chr1-154602225-CTGA-C. GRCh37 (hg19) VCF-style: chr1-154574701-CTGA-C.
Other names: c.-472_-470del (NM_001025107.3, NM_001193495.2, NM_001365046.1 and 3 more transcripts); c.441_443del, p.Asp147_Gln148delinsGlu (NM_001365045.1); c.414_416del, p.Asp138_Gln139delinsGlu (NM_015840.4, NM_015841.4).
Identifiers: ClinVar variation 4785842 (VCV004785842.1).
Genomic context (GRCh38, chr1:154,602,225, plus strand): 5'-ATGTGCTGTGGTGGCCTTCCCTTCCCCAAGCTCTTCCAGGAACTTTAAGATCCTTTGTTC[CTGA>C]TCTTGGTAGATACTCAGTTCCTGGAAATGTGAGGAAAGGCAATCAACACCTCTCTGTGGC-3'